The following is an entry in ClinVar:

ClinVar aggregate classification (germline): Pathogenic. Review status: criteria provided, multiple submitters, no conflicts (2 of 4 stars). 4 submissions from 4 submitters: Pathogenic (4). Last evaluated 2023-08-24.

Conditions:
Hereditary cancer-predisposing syndrome. Also called: Neoplastic Syndromes, Hereditary; Tumor predisposition; Hereditary neoplastic syndrome; Hereditary Cancer Syndrome. Identifiers: Orphanet 140162, MedGen C0027672, MeSH D009386, MONDO:0015356.
Hereditary nonpolyposis colorectal neoplasms. Identifiers: MedGen C0009405, MeSH D003123.
Lynch syndrome 5 (LYNCH5). Also called: Colorectal cancer, hereditary nonpolyposis, type 5; Hereditary non-polyposis colorectal cancer, type 5. Identifiers: Orphanet 144, MedGen C1833477, MONDO:0013710, OMIM 614350. Disease mechanism: loss of function.

Submissions (4):

Myriad Genetics, Inc.
Classification: Pathogenic for Lynch syndrome 5. Last evaluated: 2023-08-24. Review status: criteria provided, single submitter. Criteria: Myriad Autosomal Dominant, Autosomal Recessive and X-Linked Classification Criteria (2023). Collection method: clinical testing. Allele origin: unknown.
Comment: This variant is considered pathogenic. This variant creates a frameshift predicted to result in premature protein truncation.

Labcorp Genetics (formerly Invitae), Labcorp
Classification: Pathogenic for Hereditary nonpolyposis colorectal neoplasms. Last evaluated: 2022-01-17. Review status: criteria provided, single submitter. Criteria: Invitae Variant Classification Sherloc (09022015). Collection method: clinical testing. Allele origin: germline.
Comment: For these reasons, this variant has been classified as Pathogenic. Algorithms developed to predict the effect of sequence changes on RNA splicing suggest that this variant may create or strengthen a splice site. This sequence change creates a premature translational stop signal (p.Thr1189Lysfs*8) in the MSH6 gene. It is expected to result in an absent or disrupted protein product. Loss-of-function variants in MSH6 are known to be pathogenic (PMID: 18269114, 24362816). ClinVar contains an entry for this variant (Variation ID: 823930). This variant has not been reported in the literature in individuals affected with MSH6-related conditions. This variant is not present in population databases (gnomAD no frequency).

Quest Diagnostics Nichols Institute San Juan Capistrano
Classification: Pathogenic. Last evaluated: 2019-09-04. Review status: criteria provided, single submitter. Criteria: Quest Diagnostics criteria. Collection method: clinical testing. Allele origin: unknown.
Comment: The variant results in a shift of the reading frame, and is therefore predicted to result in the loss of a functional protein. Found in at least one patient with expected phenotype for this gene, and not found in general population data.

Ambry Genetics
Classification: Pathogenic for Hereditary cancer-predisposing syndrome. Last evaluated: 2019-03-13. Review status: criteria provided, single submitter. Criteria: Ambry Variant Classification Scheme 2023. Collection method: clinical testing. Allele origin: germline.
Comment: The c.3561_3565dupAAGTA pathogenic mutation, located in coding exon 7 of the MSH6 gene, results from a duplication of AAGTA at nucleotide position 3561, causing a translational frameshift with a predicted alternate stop codon (p.T1189Kfs*8). This alteration is expected to result in loss of function by premature protein truncation or nonsense-mediated mRNA decay. As such, this alteration is interpreted as a disease-causing mutation.

Literature cited by the submitters: PubMed 18269114 (cited by Labcorp Genetics (formerly Invitae), Labcorp); PubMed 24362816 (cited by Labcorp Genetics (formerly Invitae), Labcorp).

NM_000179.3(MSH6):c.3561_3565dup (p.Thr1189fs)

Gene: MSH6 (mutS homolog 6; plus strand). Cytogenetic location: 2p16.3.
Variant type: Duplication.
Coding change: c.3561_3565dup on transcript NM_000179.3 (MANE Select); coding-DNA positions 3561 to 3565, 5 bases duplicated (AAGTA; older notation c.3561_3565dupAAGTA).
Protein change: p.Thr1189fs; shifts the reading frame from threonine 1189.
Molecular consequence: frameshift variant.
Genome position (GRCh38, 1-based): chr2:47,805,622-47,805,626, AAGTA duplicated; duplicating any 5 consecutive bases within chr2:47,805,621-47,805,626 gives the same sequence; the c. name uses the placement nearest the transcript's 3' end. VCF-style (leftmost placement, unchanged base first): chr2-47805620-G-GAAAGT. GRCh37 (hg19) VCF-style: chr2-48032759-G-GAAAGT.
Other names: c.3561_3565dup (NM_000179.2); c.3171_3175dup, p.Thr1059fs (NM_001281492.2); c.2655_2659dup, p.Thr887fs (NM_001281493.2, NM_001281494.2); short protein forms T1189fs, T1059fs, T887fs.
Identifiers: ClinVar variation 823930 (VCV000823930.14), dbSNP rs891318615, ClinGen allele CA46717416.